The following is an entry in ClinVar:

NM_014491.4(FOXP2):c.892T>G (p.Ser298Ala)

Gene: FOXP2 (forkhead box P2; plus strand). Cytogenetic location: 7q31.1.
Variant type: single nucleotide variant.
Coding change: c.892T>G on transcript NM_014491.4 (MANE Select); coding-DNA position 892, T replaced by G.
Protein change: p.Ser298Ala; replaces serine 298 with alanine.
Molecular consequence: missense variant. On other transcripts: non-coding transcript variant (2).
Genome position (GRCh38, 1-based): chr7:114,642,526, T>G. VCF-style: chr7-114642526-T-G. GRCh37 (hg19) VCF-style: chr7-114282581-T-G.
Other names: c.889T>G, p.Ser297Ala (NM_001172766.3); c.967T>G, p.Ser323Ala (NM_001172767.2, NM_148898.4); c.892T>G, p.Ser298Ala (NM_148899.3); c.943T>G, p.Ser315Ala (NM_148900.4); short protein forms S298A, S315A, S323A, S297A.
Identifiers: ClinVar variation 908850 (VCV000908850.12), dbSNP rs138374374, ClinGen allele CA4445928.
Genomic context (GRCh38, chr7:114,642,526, plus strand): 5'-AGTATGGAAGACAATGGCATTAAACATGGAGGGCTAGACCTCACTACTAACAATTCCTCC[T>G]CGACTACCTCCTCCAACACTTCCAAAGCATCACCACCAATAACTCATCATTCCATAGTGA-3'
Protein context (NP_055306.1, residues 288-308): GLDLTTNNSS[Ser298Ala]TTSSNTSKAS

ClinVar aggregate classification (germline): Conflicting classifications of pathogenicity. Review status: criteria provided, conflicting classifications (1 of 4 stars). 2 submissions from 2 submitters: Uncertain significance (1); Likely benign (1). Last evaluated 2025-06-01.

Conditions:
Childhood apraxia of speech (SPCH1). Also called: SPEECH AND LANGUAGE DISORDER WITH OROFACIAL DYSPRAXIA; FOXP2-Related Speech and Language Disorder; Speech language disorder; DEVELOPMENTAL VERBAL DYSPRAXIA. Identifiers: Orphanet 209908, MedGen C0750927, MONDO:0011184, OMIM 602081.

Allele frequency attached by ClinVar (database versions not stated): gnomAD 0.00002 and 0.00001; gnomAD exomes 0.00002 and 0.00004; TOPMed 0.00005; ESP Exome Variant Server 0.00023; ExAC 0.00002.
gnomAD v4.1: 66 of 1,613,716 alleles (0.0041%); highest among the groups gnomAD compares: Middle Eastern, 0.016%; no homozygotes.

Submissions (2):

CeGaT Center for Human Genetics Tuebingen
Classification: Likely benign. Last evaluated: 2025-06-01. Review status: criteria provided, single submitter. Criteria: CeGaT Center For Human Genetics Tuebingen Variant Classification Criteria Version 2. Collection method: clinical testing. Allele origin: germline. Affected: yes. Observed: 1 variant allele.
Comment: FOXP2: BS2

Illumina Laboratory Services, Illumina
Classification: Uncertain significance for Childhood apraxia of speech. Last evaluated: 2018-01-12. Review status: criteria provided, single submitter. Criteria: ICSL Variant Classification Criteria 13 December 2019. Collection method: clinical testing. Allele origin: germline.